The following is an entry in ClinVar:

NM_005045.4(RELN):c.531G>C (p.Leu177Phe)

Gene: RELN (reelin; minus strand). Cytogenetic location: 7q22.1.
Variant type: single nucleotide variant.
Coding change: c.531G>C on transcript NM_005045.4 (MANE Select); coding-DNA position 531, G replaced by C.
Protein change: p.Leu177Phe; replaces leucine 177 with phenylalanine.
Molecular consequence: missense variant.
Genome position (GRCh38, 1-based): chr7:103,776,570, C>G on the plus strand (G>C on the coding strand, the complement: RELN is on the minus strand). VCF-style: chr7-103776570-C-G. GRCh37 (hg19) VCF-style: chr7-103417017-C-G.
Other names: c.531G>C, p.Leu177Phe (NM_173054.3); short protein forms L177F.
Identifiers: ClinVar variation 1353626 (VCV001353626.8), dbSNP rs746290551, ClinGen allele CA4422563.

ClinVar aggregate classification (germline): Uncertain significance (1 of 4 stars; one submission).

Conditions:
Norman-Roberts syndrome (LIS2). Also called: Lissencephaly 2 (Norman-Roberts type). Identifiers: Orphanet 89844, MedGen C0796089, MONDO:0009760, OMIM 257320.
Familial temporal lobe epilepsy 7. Identifiers: Orphanet 101046, MedGen C4225327, MONDO:0014639, OMIM 616436.

Allele frequency attached by ClinVar (database versions not stated): gnomAD exomes below 0.00001; ExAC 0.00001; TOPMed 0.00001.
gnomAD v4.1: 8 of 1,614,100 alleles (0.0005%); highest among the groups gnomAD compares: Non-Finnish European, 0.00068%; no homozygotes.

Submission:

Labcorp Genetics (formerly Invitae), Labcorp
Classification: Uncertain significance for Familial temporal lobe epilepsy 7; Norman-Roberts syndrome. Last evaluated: 2024-12-02. Review status: criteria provided, single submitter. Criteria: Invitae Variant Classification Sherloc (09022015). Collection method: clinical testing. Allele origin: germline.
Comment: This sequence change replaces leucine, which is neutral and non-polar, with phenylalanine, which is neutral and non-polar, at codon 177 of the RELN protein (p.Leu177Phe). This variant is present in population databases (rs746290551, gnomAD 0.0009%). This variant has not been reported in the literature in individuals affected with RELN-related conditions. ClinVar contains an entry for this variant (Variation ID: 1353626). Invitae Evidence Modeling of protein sequence and biophysical properties (such as structural, functional, and spatial information, amino acid conservation, physicochemical variation, residue mobility, and thermodynamic stability) indicates that this missense variant is not expected to disrupt RELN protein function with a negative predictive value of 80%. In summary, the available evidence is currently insufficient to determine the role of this variant in disease. Therefore, it has been classified as a Variant of Uncertain Significance.